The following is an entry in ClinVar:

NM_000368.5(TSC1):c.2420T>C (p.Ile807Thr)

Gene: TSC1 (TSC complex subunit 1; minus strand). Cytogenetic location: 9q34.13.
Variant type: single nucleotide variant.
Coding change: c.2420T>C on transcript NM_000368.5 (MANE Select); coding-DNA position 2420, T replaced by C.
Protein change: p.Ile807Thr; replaces isoleucine 807 with threonine.
Molecular consequence: missense variant.
Genome position (GRCh38, 1-based): chr9:132,901,671, A>G on the plus strand (T>C on the coding strand, the complement: TSC1 is on the minus strand). VCF-style: chr9-132901671-A-G. GRCh37 (hg19) VCF-style: chr9-135777058-A-G.
Other names: c.2417T>C, p.Ile806Thr (NM_001162426.2); c.2267T>C, p.Ile756Thr (NM_001162427.2); c.2057T>C, p.Ile686Thr (NM_001362177.2); short protein forms I807T, I686T, I806T, I756T.
Identifiers: ClinVar variation 48952 (VCV000048952.14), dbSNP rs118203690, ClinGen allele CA006415.

ClinVar aggregate classification (germline): Conflicting classifications of pathogenicity. Review status: criteria provided, conflicting classifications (1 of 4 stars). 5 submissions from 5 submitters: Uncertain significance (2); Likely benign (2). 1 of the submissions does not count toward it. Last evaluated 2025-10-09.

Conditions:
Hereditary cancer-predisposing syndrome. Also called: Neoplastic Syndromes, Hereditary; Tumor predisposition; Hereditary Cancer Syndrome; Hereditary neoplastic syndrome. Identifiers: Orphanet 140162, MedGen C0027672, MeSH D009386, MONDO:0015356.
Lymphangiomyomatosis (LAM). Also called: Lymphangioleiomyomatosis; Lymphangioleiomyomatosis, somatic. Identifiers: Orphanet 538, MedGen C0751674, MONDO:0011705, OMIM 606690.
Tuberous sclerosis 1 (TSC1). Identifiers: Orphanet 805, MedGen C1854465, MONDO:0008612, OMIM 191100.
Isolated focal cortical dysplasia type II (FCORD2). Also called: CORTICAL DYSPLASIA OF TAYLOR; Focal cortical dysplasia type II. Identifiers: Orphanet 268994, MedGen C1846385, MONDO:0011818, OMIM 607341, HP:0032051.
Tuberous sclerosis syndrome (TSC). Also called: Tuberous Sclerosis Complex; Tuberous sclerosis. Identifiers: Orphanet 805, MedGen C0041341, MONDO:0001734.

Allele frequency attached by ClinVar (database versions not stated): gnomAD exomes below 0.00001 and 0.00001; gnomAD 0.00001; TOPMed 0.00001.
gnomAD v4.1: 13 of 1,613,992 alleles (0.00081%); highest among the groups gnomAD compares: Non-Finnish European, 0.001%; no homozygotes.

Submissions (5):

Labcorp Genetics (formerly Invitae), Labcorp
Classification: Likely benign for Tuberous sclerosis 1. Last evaluated: 2025-10-09. Review status: criteria provided, single submitter. Criteria: Invitae Variant Classification Sherloc (09022015). Collection method: clinical testing. Allele origin: germline.

Ambry Genetics
Classification: Uncertain significance for Hereditary cancer-predisposing syndrome. Last evaluated: 2025-09-22. Review status: criteria provided, single submitter. Criteria: Ambry Variant Classification Scheme 2023. Collection method: clinical testing. Allele origin: germline.
Comment: The p.I807T variant (also known as c.2420T>C), located in coding exon 17 of the TSC1 gene, results from a T to C substitution at nucleotide position 2420. The isoleucine at codon 807 is replaced by threonine, an amino acid with similar properties. This amino acid position is well conserved in available vertebrate species. In addition, the in silico prediction for this alteration is inconclusive. Since supporting evidence is limited at this time, the clinical significance of this alteration remains unclear.

Color Diagnostics, LLC DBA Color Health
Classification: Likely benign for Tuberous sclerosis syndrome. Last evaluated: 2025-07-10. Review status: criteria provided, single submitter. Criteria: ACMG Guidelines, 2015. Collection method: clinical testing. Allele origin: germline.

Fulgent Genetics
Classification: Uncertain significance for Tuberous sclerosis 1; Lymphangiomyomatosis; Isolated focal cortical dysplasia type II. Last evaluated: 2022-05-23. Review status: criteria provided, single submitter. Criteria: ACMG Guidelines, 2015. Collection method: clinical testing. Allele origin: unknown.

Tuberous sclerosis database (TSC1)
No classification provided. Condition: TSC. Review status: no classification provided. Criteria: Tuberous Sclerosis Database Assertion Criteria 2015. Collection method: curation. Allele origin: germline. Affected: yes. Not counted in ClinVar's aggregate classification.